The following is an entry in ClinVar:

NM_001009944.3(PKD1):c.8200_8204delinsACACT (p.Pro2734_Gln2735delinsThrLeu)

Gene: PKD1 (polycystin 1, transient receptor potential channel interacting; minus strand). Cytogenetic location: 16p13.3.
Variant type: Indel.
Coding change: c.8200_8204delinsACACT on transcript NM_001009944.3 (MANE Select); coding-DNA positions 8200 to 8204, CCACA replaced by ACACT.
Protein change: p.Pro2734_Gln2735delinsThrLeu.
Molecular consequence: missense variant.
Genome position (GRCh38, 1-based): chr16:2,103,853-2,103,857, TGTGG replaced by AGTGT on the plus strand (CCACA replaced by ACACT on the coding strand, the reverse complement: PKD1 is on the minus strand). VCF-style: chr16-2103853-TGTGG-AGTGT. GRCh37 (hg19) VCF-style: chr16-2153854-TGTGG-AGTGT.
Other names: c.8200_8204delinsACACT, p.Pro2734_Gln2735delinsThrLeu (NM_000296.4).
Identifiers: ClinVar variation 997123 (VCV000997123.1), dbSNP rs2092207908, ClinGen allele CA2202023269.

ClinVar aggregate classification (germline): Benign (0 of 4 stars; one submission).

Conditions:
Polycystic kidney disease. Also called: Polycystic kidney dysplasia; Kidney, Polycystic. Identifiers: MedGen C0022680, MeSH D007690, MONDO:0020642, HP:0000113.

Submission:

Department of Pathology and Laboratory Medicine, Sinai Health System
Classification: Benign for Polycystic Kidney disease. Review status: no assertion criteria provided. Collection method: clinical testing. Allele origin: unknown. Affected: yes. Study: The Canadian Open Genetics Repository (COGR).
Comment: The PKD1, p.Pro2734_Gln2735delinsThrLeu variant is typically reported in both the literature and databases as two separate missense variants specifically c.8204A>T p.Gln2735Leu and c.8200C>A, p.Pro2734Thr although they are almost always reported together. The p.Gln2735Leu and p.Pro2734Thr variants were identified in the literature together in 2 of 426 proband chromosomes in patients with ADPKD (Rossetti 2001, Garcia-Gonzalez 2007). In the Garcia-Gonzalez et al publication the variants are reported to co-occur with a PKD1 likely pathogenic variant (c.8067T>C, p.Leu2619Pro) suggesting that the p.Pro2734_Gln2735delinsThrLeu does not have clinical significance. The variants were identified in dbSNP (rs150568356 c.8200C>A and rs141717814 c.8204A>T) both as â€šÃ„ÃºNAâ€šÃ„Ã¹. The genome aggregation consortium and the exome aggregation consortium (ExAC) report the variant as two separate missense variants occurring at almost the same frequency in the same cases. Specifically the genome aggregation consortium reports the variant c. 8204A>T at a frequency of 0.0007 (190 of 271566 chromosomes) and p.Pro2734Thr at a frequency of 0.0007 (189 of 270456), similar frequencies are seen in ExAC. The variants are also reported separately in the PKD mutation database both with the classification of likely neutral. The variants were not identified in Clinvitae, ClinVar, GeneInsight COGR, PKD1-LOVD, PKD1-LOVD 3.0, and the NHLBI GO Exome Sequencing Project. The variant occurs outside of the splicing consensus sequence and 2 of 5 in silico or computational prediction software programs (SpliceSiteFinder, MaxEntScan, NNSPLICE, GeneSplicer, HumanSpliceFinder) predict a greater than 10% difference in splicing; this is not very predictive of pathogenicity. This variant is an in-frame deletion-insertion resulting in the removal of a proline and glutamine and insertion of threonine and leucine amino acids; the impact of this alteration on PKD1 protein function is not known. In summary, based on the above information, the clinical significance of this variant cannot be determined with certainty at this time although we would lean towards a more benign role for this variant. This variant is classified as likely benign.